The following is an entry in ClinVar:

NM_000321.3(RB1):c.1326A>G (p.Gly442=)

Gene: RB1 (RB transcriptional corepressor 1; plus strand). Cytogenetic location: 13q14.2.
Variant type: single nucleotide variant.
Coding change: c.1326A>G on transcript NM_000321.3 (MANE Select); coding-DNA position 1326, A replaced by G.
Protein change: p.Gly442=; no amino-acid change (glycine 442 retained).
Molecular consequence: synonymous variant.
Genome position (GRCh38, 1-based): chr13:48,377,028, A>G. VCF-style: chr13-48377028-A-G. GRCh37 (hg19) VCF-style: chr13-48951164-A-G.
Other names: c.1326A>G, p.Gly442= (NM_001407165.1, NM_001407166.1).
Identifiers: ClinVar variation 4863014 (VCV004863014.2).

ClinVar aggregate classification (germline): Conflicting classifications of pathogenicity. Review status: criteria provided, conflicting classifications (1 of 4 stars). 2 submissions from 2 submitters: Uncertain significance (1); Benign (1). Last evaluated 2026-06-24.

Conditions:
Retinoblastoma (RB1). Also called: RETINOBLASTOMA, SOMATIC. Identifiers: Orphanet 790, MedGen C0035335, MeSH D012175, MONDO:0008380, OMIM 180200, HP:0009919. Disease mechanism: loss of function. Inheritance: Both sporadic and heritable forms are tested..
Hereditary cancer-predisposing syndrome. Also called: Neoplastic Syndromes, Hereditary; Tumor predisposition; Hereditary neoplastic syndrome; Hereditary Cancer Syndrome. Identifiers: Orphanet 140162, MedGen C0027672, MeSH D009386, MONDO:0015356.

Submissions (2):

Myriad Genetics, Inc.
Classification: Benign for Retinoblastoma. Last evaluated: 2026-06-24. Review status: criteria provided, single submitter. Criteria: Myriad Autosomal Dominant, Autosomal Recessive and X-Linked Classification Criteria (2023). Collection method: clinical testing. Allele origin: unknown.
Comment: This variant is considered benign. This variant is a silent/synonymous amino acid change and it is not expected to impact splicing.

Ambry Genetics
Classification: Uncertain significance for Hereditary cancer-predisposing syndrome. Last evaluated: 2026-04-10. Review status: criteria provided, single submitter. Criteria: Ambry Variant Classification Scheme 2023. Collection method: clinical testing. Allele origin: germline.
Comment: The c.1326A>G variant (also known as p.G442G), located in coding exon 13 of the RB1 gene, results from an A to G substitution at nucleotide position 1326. In silico splice site analysis for this alteration is inconclusive, direct evidence is insufficient at this time (Ambry internal data). Based on the available evidence, the clinical significance of this variant remains unclear.